The following is an entry in ClinVar:

ClinVar aggregate classification (germline): Pathogenic (1 of 4 stars; one submission).

Submission:

Labcorp Genetics (formerly Invitae), Labcorp
Classification: Pathogenic. Last evaluated: 2025-09-29. Review status: criteria provided, single submitter. Criteria: Invitae Variant Classification Sherloc (09022015). Collection method: clinical testing. Allele origin: germline.
Comment: This variant, c.1014_1016del, results in the deletion of 1 amino acid(s) of the COQ8A protein (p.Ala339del), but otherwise preserves the integrity of the reading frame. This variant is not present in population databases (gnomAD no frequency). This variant has not been reported in the literature in individuals affected with COQ8A-related conditions. This variant disrupts a region of the COQ8A protein in which other variant(s) (p.Ala339Thr) have been determined to be pathogenic (PMID: 25131622, 32337771, 32685350; internal data). This suggests that this is a clinically significant region of the protein, and that variants that disrupt it are likely to be disease-causing. For these reasons, this variant has been classified as Pathogenic.

Literature cited by the submitters: PubMed 25131622; PubMed 32337771; PubMed 32685350.

NM_020247.5(COQ8A):c.1008CGC[2] (p.Ala339del)

Gene: COQ8A (coenzyme Q8A; plus strand). Cytogenetic location: 1q42.13.
Variant type: Microsatellite.
Coding change: c.1008CGC[2] on transcript NM_020247.5 (MANE Select); two copies in a row of the 3-base unit CGC starting at c.1008; the reference has three copies in a row; one copy, 3 bases deleted.
Protein change: p.Ala339del; deletes alanine 339.
Molecular consequence: inframe deletion.
Genome position (GRCh38, 1-based): chr1:226,982,968-226,982,970, CGC deleted; deleting any 3 consecutive bases within chr1:226,982,962-226,982,970 gives the same sequence; the position shown is the placement nearest the transcript's 3' end. VCF-style (leftmost placement, unchanged base first): chr1-226982961-TCGC-T. GRCh37 (hg19) VCF-style: chr1-227170662-TCGC-T.
Other names: short protein forms A339del.
Identifiers: ClinVar variation 4727173 (VCV004727173.1).